The following is an entry in ClinVar:

NM_003906.5(MCM3AP):c.3284A>T (p.Asp1095Val)

Gene: MCM3AP (minichromosome maintenance complex component 3 associated protein; minus strand). Cytogenetic location: 21q22.3.
Variant type: single nucleotide variant.
Coding change: c.3284A>T on transcript NM_003906.5 (MANE Select); coding-DNA position 3284, A replaced by T.
Protein change: p.Asp1095Val; replaces aspartic acid 1095 with valine.
Molecular consequence: missense variant.
Genome position (GRCh38, 1-based): chr21:46,264,168, T>A on the plus strand (A>T on the coding strand, the complement: MCM3AP is on the minus strand). VCF-style: chr21-46264168-T-A. GRCh37 (hg19) VCF-style: chr21-47684082-T-A.
Other names: short protein forms D1095V.
Identifiers: ClinVar variation 2169438 (VCV002169438.1), dbSNP rs755833294, ClinGen allele CA10076553.
Genomic context (GRCh38, chr21:46,264,168, plus strand): 5'-GCCACTCACCCCAGGGCGGCAGCTGCGTAGGCAGCACCCGCAGAGCCAACTTCCTCACAG[T>A]CCCTCTGCAGGGCCTCCTGGATGAGCTCGTCCACCACCTGCGCCAGGTCCTGTGGAGAGA-3'
Protein context (NP_003897.2, residues 1085-1105): DELIQEALQR[Asp1095Val]CEEVGSAGAA

ClinVar aggregate classification (germline): Uncertain significance (1 of 4 stars; one submission).

Allele frequency attached by ClinVar (database versions not stated): TOPMed below 0.00001; ExAC 0.00001.

Submission:

Labcorp Genetics (formerly Invitae), Labcorp
Classification: Uncertain significance. Last evaluated: 2022-01-23. Review status: criteria provided, single submitter. Criteria: Invitae Variant Classification Sherloc (09022015). Collection method: clinical testing. Allele origin: germline.
Comment: This sequence change replaces aspartic acid, which is acidic and polar, with valine, which is neutral and non-polar, at codon 1095 of the MCM3AP protein (p.Asp1095Val). This variant is present in population databases (rs755833294, gnomAD 0.0009%). This variant has not been reported in the literature in individuals affected with MCM3AP-related conditions. Algorithms developed to predict the effect of missense changes on protein structure and function (SIFT, PolyPhen-2, Align-GVGD) all suggest that this variant is likely to be disruptive. Algorithms developed to predict the effect of sequence changes on RNA splicing suggest that this variant may create or strengthen a splice site. In summary, the available evidence is currently insufficient to determine the role of this variant in disease. Therefore, it has been classified as a Variant of Uncertain Significance.